The following is an entry in ClinVar:

Single allele

Gene: GLDC (glycine decarboxylase; minus strand). Cytogenetic location: 9p24.1.
Variant type: Deletion.
Identifiers: ClinVar variation 4682422 (VCV004682422.1).

ClinVar aggregate classification (germline): Pathogenic (1 of 4 stars; one submission).

Submission:

Athena Diagnostics
Classification: Pathogenic. Last evaluated: 2025-06-04. Review status: criteria provided, single submitter. Criteria: Athena Diagnostics Criteria. Collection method: clinical testing. Allele origin: unknown.
Comment: Similar deletions of exons 1-2 in GLDC have not been reported in large, multi-ethnic general populations. This deletion includes exons 1 and 2 of the GLDC gene and is expected to result in the loss of a functional protein. In multiple individuals, this variant has been seen with a single recessive pathogenic variant in the same gene, suggesting this variant may also be pathogenic.

Literature cited by the submitters: PubMed 17361008; PubMed 37614902; PubMed 27362913.